The following is an entry in ClinVar:

NM_000038.6(APC):c.1573T>A (p.Cys525Ser)

Gene: APC (APC regulator of Wnt signaling pathway; plus strand). Cytogenetic location: 5q22.2.
Variant type: single nucleotide variant.
Coding change: c.1573T>A on transcript NM_000038.6 (MANE Select); coding-DNA position 1573, T replaced by A.
Protein change: p.Cys525Ser; replaces cysteine 525 with serine.
Molecular consequence: missense variant.
Genome position (GRCh38, 1-based): chr5:112,827,953, T>A. VCF-style: chr5-112827953-T-A. GRCh37 (hg19) VCF-style: chr5-112163650-T-A.
Other names: c.1573T>A, p.Cys525Ser (NM_001127510.3, NM_001354895.2, NM_001407450.1); c.1519T>A, p.Cys507Ser (NM_001127511.3); c.1627T>A, p.Cys543Ser (NM_001354896.2, NM_001407447.1, NM_001407448.1 and 1 more transcripts); c.1603T>A, p.Cys535Ser (NM_001354897.2); c.1498T>A, p.Cys500Ser (NM_001354898.2); c.1489T>A, p.Cys497Ser (NM_001354899.2); c.1450T>A, p.Cys484Ser (NM_001354900.2); c.1396T>A, p.Cys466Ser (NM_001354901.2, NM_001407453.1); and 12 more; short protein forms C141S, C242S, C365S, C396S, C399S, C424S, C434S, C442S.
Identifiers: ClinVar variation 3381826 (VCV003381826.2).
Genomic context (GRCh38, chr5:112,827,953, plus strand): 5'-TTTTTAATGATCCTCTATTCTGTATTTAATTTACAGGCTACGCTATGCTCTATGAAAGGC[T>A]GCATGAGAGCACTTGTGGCCCAACTAAAATCTGAAAGTGAAGACTTACAGCAGGTACTAT-3'
Protein context (NP_000029.2, residues 515-535): NKATLCSMKG[Cys525Ser]MRALVAQLKS

ClinVar aggregate classification (germline): Conflicting classifications of pathogenicity. Review status: criteria provided, conflicting classifications (1 of 4 stars). 3 submissions from 2 submitters: Uncertain significance (2); Likely benign (1). Last evaluated 2025-03-26.

Conditions:
Hereditary cancer-predisposing syndrome. Also called: Neoplastic Syndromes, Hereditary; Tumor predisposition; Hereditary Cancer Syndrome; Hereditary neoplastic syndrome. Identifiers: Orphanet 140162, MedGen C0027672, MeSH D009386, MONDO:0015356.
Hereditary breast ovarian cancer syndrome. Also called: BRCA1- and BRCA2-Associated Hereditary Breast and Ovarian Cancer; Hereditary breast and ovarian cancer syndrome (HBOC); Breast and ovarian cancer; Hereditary breast and/or ovarian cancer syndrome; Hereditary breast and ovarian cancer; Hereditary breast and ovarian cancer syndrome. Identifiers: Orphanet 145, MedGen C0677776, MeSH D061325, MONDO:0003582. Disease mechanism: loss of function.

Submissions (3):

Ambry Genetics
Classification: Uncertain significance for Hereditary cancer-predisposing syndrome. Last evaluated: 2025-03-26. Review status: criteria provided, single submitter. Criteria: Ambry Variant Classification Scheme 2023. Collection method: clinical testing. Allele origin: germline.

Institute for Biomarker Research, Medical Diagnostic Laboratories, L.L.C.
Classification: Likely benign for Hereditary breast ovarian cancer syndrome. Last evaluated: 2024-09-10. Review status: criteria provided, single submitter. Criteria: ACMG Guidelines, 2015. Collection method: clinical testing. Allele origin: germline.
Comment: The synonymous variant NM_007294.4(BRCA1):c.1911T>C (p.Thr637=) has been reported to ClinVar as Likely benign with a status of (3 stars) reviewed by expert panel (Variation ID 54396 as of 2024-08-01). The p.Thr637= variant is not predicted to disrupt an existing splice site. The p.Thr637= variant results in a substitution of a base that is not predicted conserved by GERP++ and PhyloP. For these reasons, this variant has been classified as Likely Benign.

Institute for Biomarker Research, Medical Diagnostic Laboratories, L.L.C.
Classification: Uncertain significance for Hereditary cancer-predisposing syndrome. Last evaluated: 2024-09-03. Review status: criteria provided, single submitter. Criteria: ACMG Guidelines, 2015. Collection method: clinical testing. Allele origin: germline.
Comment: The p.Cys525Ser variant is novel (not in any individuals) in gnomAD. The p.Cys525Ser variant is novel (not in any individuals) in 1kG. There is a moderate physicochemical difference between cysteine and serine. The p.Cys525Ser missense variant is predicted to be damaging by both SIFT and PolyPhen2. The cysteine residue at codon 525 of APC is conserved in all mammalian species. The nucleotide c.1573 in APC is predicted conserved by GERP++ and PhyloP across 100 vertebrates. For these reasons, this variant has been classified as Uncertain Significance.